The following is an entry in ClinVar:

NM_003907.3(EIF2B5):c.337C>T (p.Arg113Cys)

Gene: EIF2B5 (eukaryotic translation initiation factor 2B subunit epsilon; plus strand). Cytogenetic location: 3q27.1.
Variant type: single nucleotide variant.
Coding change: c.337C>T on transcript NM_003907.3 (MANE Select); coding-DNA position 337, C replaced by T.
Protein change: p.Arg113Cys; replaces arginine 113 with cysteine.
Molecular consequence: missense variant.
Genome position (GRCh38, 1-based): chr3:184,137,636, C>T. VCF-style: chr3-184137636-C-T. GRCh37 (hg19) VCF-style: chr3-183855424-C-T.
Other names: short protein forms R113C.
Identifiers: ClinVar variation 692118 (VCV000692118.17), dbSNP rs113994050, ClinGen allele CA2726376.

ClinVar aggregate classification (germline): Pathogenic/Likely pathogenic. Review status: criteria provided, multiple submitters, no conflicts (2 of 4 stars). 6 submissions from 6 submitters: Pathogenic (1); Likely pathogenic (4). 1 of the submissions does not count toward it. Last evaluated 2025-01-29.

Conditions:
Vanishing white matter disease. Also called: CACH syndrome; Childhood ataxia with diffuse central nervous system hypomyelination; Leukoencephalopathy with vanishing white matter; CACH/VWM syndrome; Cree leukoencehalopathy. Identifiers: Orphanet 135, Orphanet 99853, MedGen C1858991, MONDO:0800448.
Leukoencephalopathy with vanishing white matter 5 (VWM5). Also called: Leukoencephalopathy with vanishing white matter 5, with or without ovarian failure; EIF2B5-Related Childhood Ataxia with Central Nervous System Hypomyelination/Vanishing White Matter. Identifiers: MedGen C5779973, MONDO:0957873, OMIM 620315.

Allele frequency attached by ClinVar (database versions not stated): gnomAD exomes 0.00001; ExAC 0.00002.

Submissions (6):

Natera, Inc.
Classification: Likely pathogenic for Leukoencephalopathy with vanishing white matter. Last evaluated: 2025-01-29. Review status: criteria provided, single submitter. Criteria: Natera Variant Classification Schema (03/2026). Collection method: clinical testing. Allele origin: germline.
Comment: The c.337C>T variant in EIF2B5 is a missense variant predicted to cause substitution of arginine to cysteine at amino acid 113. This variant is rare in the general population with a frequency below the threshold expected for the associated phenotype(s). This variant has been observed in one or more individuals affected with the associated recessive disease, as either homozygous or compound heterozygous with a second variant (PMID: 33432707, 25761052). A different variant at the same position has been determined to be Pathogenic or Likely Pathogenic. Computational prediction algorithms indicate this variant is likely to affect gene or protein function. Given the available evidence, this variant is classified as Likely Pathogenic.

Labcorp Genetics (formerly Invitae), Labcorp
Classification: Pathogenic. Last evaluated: 2024-04-17. Review status: criteria provided, single submitter. Criteria: Invitae Variant Classification Sherloc (09022015). Collection method: clinical testing. Allele origin: germline.
Comment: This sequence change replaces arginine, which is basic and polar, with cysteine, which is neutral and slightly polar, at codon 113 of the EIF2B5 protein (p.Arg113Cys). This variant is present in population databases (rs113994050, gnomAD 0.002%). This missense change has been observed in individual(s) with EIF2B5-related conditions (PMID: 15136673, 19158808). In at least one individual the data is consistent with being in trans (on the opposite chromosome) from a pathogenic variant. ClinVar contains an entry for this variant (Variation ID: 692118). Advanced modeling of protein sequence and biophysical properties (such as structural, functional, and spatial information, amino acid conservation, physicochemical variation, residue mobility, and thermodynamic stability) performed at Invitae indicates that this missense variant is not expected to disrupt EIF2B5 protein function with a negative predictive value of 80%. This variant disrupts the p.Arg113 amino acid residue in EIF2B5. Other variant(s) that disrupt this residue have been determined to be pathogenic (PMID: 11704758, 15136689, 18005052, 18266750, 18678442, 18845387, 21307862, 21560189, 22699478, 24938145). This suggests that this residue is clinically significant, and that variants that disrupt this residue are likely to be disease-causing. For these reasons, this variant has been classified as Pathogenic.

Women's Health and Genetics/Laboratory Corporation of America, LabCorp
Classification: Likely pathogenic for Vanishing white matter disease. Last evaluated: 2023-02-08. Review status: criteria provided, single submitter. Criteria: LabCorp Variant Classification Summary - May 2015. Collection method: clinical testing. Allele origin: germline.
Comment: Variant summary: EIF2B5 c.337C>T (p.Arg113Cys) results in a non-conservative amino acid change located in the Translation initiation factor eIF-2B subunit epsilon domain (IPR035543) of the encoded protein sequence. Four of five in-silico tools predict a damaging effect of the variant on protein function. The variant allele was found at a frequency of 8e-06 in 251478 control chromosomes. c.337C>T has been reported in the literature as biallelic compound heterozygous genotypes in individuals affected with Leukoencephalopathy With Vanishing White Matter (example, PMID: 15136673, 21307862, 33432707, 25761052). These data indicate that the variant is likely to be associated with disease. To our knowledge, no experimental evidence demonstrating an impact on protein function has been reported. Three clinical diagnostic laboratories have submitted clinical-significance assessments for this variant to ClinVar after 2014 without evidence for independent evaluation. All laboratories classified the variant as likely pathogenic. Based on the evidence outlined above, the variant was classified as likely pathogenic.

GeneDx
Classification: Likely pathogenic. Last evaluated: 2020-09-18. Review status: criteria provided, single submitter. Criteria: GeneDx Variant Classification Process June 2021. Collection method: clinical testing. Allele origin: germline. Affected: yes.
Comment: Previously reported in an individual with autosomal recessive EIF2B5-related disorder in patient in the literature, however parental testing for segregation to confirm phase was not provided (Folgi et al., 2004); Not observed at a significant frequency in large population cohorts (Lek et al., 2016); In silico analysis supports that this missense variant has a deleterious effect on protein structure/function; This variant is associated with the following publications: (PMID: 11704758, 20301435, 16998732, 16246171, 9710032, 15136673)

Juno Genomics, Hangzhou Juno Genomics, Inc
Classification: Likely pathogenic for Leukoencephalopathy with vanishing white matter 5. Review status: criteria provided, single submitter. Criteria: ACMG Guidelines, 2015. Collection method: clinical testing. Allele origin: germline.
Comment: Absent from controls (or at extremely low frequency if recessive) in Genome Aggregation Database.;Multiple lines of computational evidence support a deleterious effect on the gene or gene product.;For recessive disorders, detected in trans with a pathogenic variant.;Novel missense change at an amino acid residue where a different missense change determined to be pathogenic has been seen before.

GeneReviews
No classification provided. Condition: Vanishing white matter disease. Review status: no classification provided. Collection method: literature only. Allele origin: germline. Not counted in ClinVar's aggregate classification.
Comment: Most common pathogenic variant, associated w/relatively mild disease

Literature cited by the submitters: PubMed 33432707 (cited by Natera, Inc. and Women's Health and Genetics/Laboratory Corporation of America, LabCorp); PubMed 25761052 (cited by Natera, Inc. and Women's Health and Genetics/Laboratory Corporation of America, LabCorp); PubMed 15136673 (cited by Labcorp Genetics (formerly Invitae), Labcorp and Women's Health and Genetics/Laboratory Corporation of America, LabCorp); PubMed 19158808 (cited by Labcorp Genetics (formerly Invitae), Labcorp); PubMed 11704758 (cited by Labcorp Genetics (formerly Invitae), Labcorp and GeneReviews); PubMed 15136689 (cited by Labcorp Genetics (formerly Invitae), Labcorp); PubMed 18005052 (cited by Labcorp Genetics (formerly Invitae), Labcorp); PubMed 18266750 (cited by Labcorp Genetics (formerly Invitae), Labcorp); PubMed 18678442 (cited by Labcorp Genetics (formerly Invitae), Labcorp); PubMed 18845387 (cited by Labcorp Genetics (formerly Invitae), Labcorp); PubMed 21307862 (cited by Labcorp Genetics (formerly Invitae), Labcorp and Women's Health and Genetics/Laboratory Corporation of America, LabCorp); PubMed 21560189 (cited by Labcorp Genetics (formerly Invitae), Labcorp); PubMed 22699478 (cited by Labcorp Genetics (formerly Invitae), Labcorp); PubMed 24938145 (cited by Labcorp Genetics (formerly Invitae), Labcorp); PubMed 20301435 (cited by GeneReviews).